The following is an entry in ClinVar:

ClinVar aggregate classification (germline): Likely pathogenic (1 of 4 stars; one submission).

Conditions:
DYRK1A-related intellectual disability syndrome (MRD7). Also called: DYRK1A Syndrome; Intellectual developmental disorder, autosomal dominant 7. Identifiers: Orphanet 464306, MedGen C5568143, MONDO:0013578, OMIM 614104.

Submission:

Women's Health and Genetics/Laboratory Corporation of America, LabCorp
Classification: Likely pathogenic for DYRK1A-related intellectual disability syndrome. Last evaluated: 2021-04-07. Review status: criteria provided, single submitter. Criteria: LabCorp Variant Classification Summary - May 2015. Collection method: clinical testing. Allele origin: germline.
Comment: Variant summary: DYRK1A c.958_959delCA (p.Gln320ValfsX19) results in a premature termination codon, predicted to cause a truncation of the encoded protein or absence of the protein due to nonsense mediated decay, which are commonly known mechanisms for disease. The variant was absent in 249948 control chromosomes (gnomAD). To our knowledge, no occurrence of c.958_959delCA in individuals affected with Mental Retardation, Autosomal Dominant 7 and no experimental evidence demonstrating its impact on protein function have been reported. No clinical diagnostic laboratories have submitted clinical-significance assessments for this variant to ClinVar after 2014. Based on the evidence outlined above, the variant was classified as likely pathogenic.

NM_001347721.2(DYRK1A):c.931_932del (p.Gln311fs)

Gene: DYRK1A (dual specificity tyrosine phosphorylation regulated kinase 1A; plus strand). Cytogenetic location: 21q22.13.
Variant type: Deletion.
Coding change: c.931_932del on transcript NM_001347721.2 (MANE Select); coding-DNA positions 931 to 932, 2 bases deleted (CA; older notation c.931_932delCA).
Protein change: p.Gln311fs; shifts the reading frame from glutamine 311.
Molecular consequence: frameshift variant.
Genome position (GRCh38, 1-based): chr21:37,493,023-37,493,024, CA deleted. VCF-style (leftmost placement, unchanged base first): chr21-37493022-CCA-C. GRCh37 (hg19) VCF-style: chr21-38865324-CCA-C.
Other names: c.931_932del, p.Gln311fs (NM_001347722.2, NM_130436.2); c.844_845del, p.Gln282fs (NM_001347723.2); c.958_959del, p.Gln320fs (NM_001396.5, NM_101395.2, NM_130438.2); short protein forms Q282fs, Q311fs, Q320fs.
Identifiers: ClinVar variation 1065145 (VCV001065145.1), dbSNP rs2148619406, ClinGen allele CA2499225890.